The following is an entry in ClinVar:

ClinVar aggregate classification (germline): Uncertain significance. Review status: criteria provided, multiple submitters, no conflicts (2 of 4 stars). 2 submissions from 2 submitters: Uncertain significance (2). Last evaluated 2025-01-14.

Conditions:
Inborn genetic diseases. Identifiers: MedGen C0950123, MeSH D030342.

Submissions (2):

Ambry Genetics
Classification: Uncertain significance for Inborn genetic diseases. Last evaluated: 2025-01-14. Review status: criteria provided, single submitter. Criteria: Ambry Variant Classification Scheme 2023. Collection method: clinical testing. Allele origin: germline.

Labcorp Genetics (formerly Invitae), Labcorp
Classification: Uncertain significance. Last evaluated: 2024-12-02. Review status: criteria provided, single submitter. Criteria: Invitae Variant Classification Sherloc (09022015). Collection method: clinical testing. Allele origin: germline.
Comment: This sequence change replaces alanine, which is neutral and non-polar, with valine, which is neutral and non-polar, at codon 37 of the DEAF1 protein (p.Ala37Val). This variant is not present in population databases (gnomAD no frequency). This variant has not been reported in the literature in individuals affected with DEAF1-related conditions. ClinVar contains an entry for this variant (Variation ID: 1385525). Invitae Evidence Modeling of protein sequence and biophysical properties (such as structural, functional, and spatial information, amino acid conservation, physicochemical variation, residue mobility, and thermodynamic stability) indicates that this missense variant is not expected to disrupt DEAF1 protein function with a negative predictive value of 80%. In summary, the available evidence is currently insufficient to determine the role of this variant in disease. Therefore, it has been classified as a Variant of Uncertain Significance.

NM_021008.4(DEAF1):c.110C>T (p.Ala37Val)

Gene: DEAF1 (DEAF1 transcription factor; minus strand). Cytogenetic location: 11p15.5.
Variant type: single nucleotide variant.
Coding change: c.110C>T on transcript NM_021008.4 (MANE Select); coding-DNA position 110, C replaced by T.
Protein change: p.Ala37Val; replaces alanine 37 with valine.
Molecular consequence: missense variant. On other transcripts: intron variant (1).
Genome position (GRCh38, 1-based): chr11:694,938, G>A on the plus strand (C>T on the coding strand, the complement: DEAF1 is on the minus strand). VCF-style: chr11-694938-G-A. GRCh37 (hg19) VCF-style: chr11-694938-G-A.
Other names: c.110C>T, p.Ala37Val (NM_001293634.2); c.-437-3340C>T (NM_001367390.1); short protein forms A37V.
Identifiers: ClinVar variation 1385525 (VCV001385525.7), dbSNP rs1183727801, ClinGen allele CA378940040.